The following is an entry in ClinVar:

ClinVar aggregate classification (germline): Uncertain significance (1 of 4 stars; one submission).

Conditions:
Marfan syndrome (MFS). Also called: MARFAN SYNDROME, TYPE I; Marfan syndrome type 1; Marfan's syndrome; Marfan syndrome, classic; FBN1-Related Marfan Syndrome. Identifiers: Orphanet 284963, Orphanet 558, MedGen C0024796, MONDO:0007947, OMIM 154700.

Allele frequency attached by ClinVar (database versions not stated): gnomAD exomes below 0.00001; gnomAD 0.00001.
gnomAD v4.1: 4 of 1,613,988 alleles (0.00025%); highest among the groups gnomAD compares: Non-Finnish European, 0.00025%; no homozygotes.

Submission:

All of Us Research Program, National Institutes of Health
Classification: Uncertain significance for Marfan syndrome. Last evaluated: 2023-08-15. Review status: criteria provided, single submitter. Criteria: ACMG Guidelines, 2015. Collection method: clinical testing. Allele origin: germline. Inheritance: Autosomal dominant inheritance. Observed: 1 variant allele, 1 heterozygote.
Comment: This missense variant replaces threonine with isoleucine at codon 1495 of the FBN1 protein. Computational prediction is inconclusive regarding the impact of this variant on protein structure and function (internally defined REVEL score threshold 0.5 < inconclusive < 0.7, PMID: 27666373). To our knowledge, functional studies have not been reported for this variant. This variant has not been reported in individuals affected with FBN1-related disorders in the literature. This variant has been identified in 1/31402 chromosomes in the general population by the Genome Aggregation Database (gnomAD). The available evidence is insufficient to determine the role of this variant in disease conclusively. Therefore, this variant is classified as a Variant of Uncertain Significance.

This study involves interpretation of variants in research participants for the purpose of population health screening. Participant phenotype was not available at the time of variant classification. Additional details can be found in publication PMID: 35346344, PMCID: PMC8962531

NM_000138.5(FBN1):c.4484C>T (p.Thr1495Ile)

Gene: FBN1 (fibrillin 1; minus strand). Cytogenetic location: 15q21.1.
Variant type: single nucleotide variant.
Coding change: c.4484C>T on transcript NM_000138.5 (MANE Select); coding-DNA position 4484, C replaced by T.
Protein change: p.Thr1495Ile; replaces threonine 1495 with isoleucine.
Molecular consequence: missense variant.
Genome position (GRCh38, 1-based): chr15:48,468,510, G>A on the plus strand (C>T on the coding strand, the complement: FBN1 is on the minus strand). VCF-style: chr15-48468510-G-A. GRCh37 (hg19) VCF-style: chr15-48760707-G-A.
Other names: c.4484C>T, p.Thr1495Ile (NM_001406716.1); short protein forms T1495I.
Identifiers: ClinVar variation 3072949 (VCV003072949.1), dbSNP rs1387810687, ClinGen allele CA392353749.
Genomic context (GRCh38, chr15:48,468,510, plus strand): 5'-GGTGGGCAGTCACAGATATAGCTGCCTGGAGTGTTGACACAGTTCCCACTGATGCACGTG[G>A]TTGGATCCAGGCATTCATTCACATCTAAAACCGAACAGTGAGTAGTGGAGTTATCACCTG-3'
Protein context (NP_000129.3, residues 1485-1505): CTDVNECLDP[Thr1495Ile]TCISGNCVNT